The following is an entry in ClinVar:

ClinVar aggregate classification (germline): Uncertain significance. Review status: criteria provided, multiple submitters, no conflicts (2 of 4 stars). 2 submissions from 2 submitters: Uncertain significance (2). Last evaluated 2025-03-27.

Allele frequency attached by ClinVar (database versions not stated): TOPMed 0.00001; 1000 Genomes Project 30x 0.00031; gnomAD exomes 0.00001; gnomAD 0.00002; 1000 Genomes Project 0.00020; ExAC 0.00002.
gnomAD v4.1: 11 of 1,591,598 alleles (0.00069%); highest among the groups gnomAD compares: African/African-American, 0.0013%; no homozygotes.

Submissions (2):

Labcorp Genetics (formerly Invitae), Labcorp
Classification: Uncertain significance. Last evaluated: 2025-03-27. Review status: criteria provided, single submitter. Criteria: Invitae Variant Classification Sherloc (09022015). Collection method: clinical testing. Allele origin: germline.
Comment: This sequence change replaces alanine, which is neutral and non-polar, with threonine, which is neutral and polar, at codon 480 of the MYLK3 protein (p.Ala480Thr). This variant is present in population databases (rs540347465, gnomAD 0.003%). This variant has not been reported in the literature in individuals affected with MYLK3-related conditions. ClinVar contains an entry for this variant (Variation ID: 1955918). An algorithm developed to predict the effect of missense changes on protein structure and function outputs the following: PolyPhen-2: "Benign". The threonine amino acid residue is found in multiple mammalian species, which suggests that this missense change does not adversely affect protein function. In summary, the available evidence is currently insufficient to determine the role of this variant in disease. Therefore, it has been classified as a Variant of Uncertain Significance.

Ambry Genetics
Classification: Uncertain significance. Last evaluated: 2025-02-08. Review status: criteria provided, single submitter. Criteria: Ambry Variant Classification Scheme 2023. Collection method: clinical testing. Allele origin: germline.

NM_182493.3(MYLK3):c.1438G>A (p.Ala480Thr)

Gene: MYLK3 (myosin light chain kinase 3; minus strand). Cytogenetic location: 16q11.2.
Variant type: single nucleotide variant.
Coding change: c.1438G>A on transcript NM_182493.3 (MANE Select); coding-DNA position 1438, G replaced by A.
Protein change: p.Ala480Thr; replaces alanine 480 with threonine.
Molecular consequence: missense variant.
Genome position (GRCh38, 1-based): chr16:46,732,232, C>T on the plus strand (G>A on the coding strand, the complement: MYLK3 is on the minus strand). VCF-style: chr16-46732232-C-T. GRCh37 (hg19) VCF-style: chr16-46766144-C-T.
Other names: c.415G>A, p.Ala139Thr (NM_001308301.1); c.1438G>A (NM_182493.2); short protein forms A139T, A480T.
Identifiers: ClinVar variation 1955918 (VCV001955918.6), dbSNP rs540347465, ClinGen allele CA8037990.
Genomic context (GRCh38, chr16:46,732,232, plus strand): 5'-AGGGCTCGTGTCTAGCCAGGCAACAGCCCCACTTACCCAGAACCACGCTGCCAGCCTCGG[C>T]GCCTGGGGGCATCCTCCTTACTGCTTCAGCTCTCACCGGAGCCCTGGCTGCACAGTCCTG-3'
Protein context (NP_872299.2, residues 470-490): AEAVRRMPPG[Ala480Thr]EAGSVVLDDS